The following is an entry in ClinVar:

ClinVar aggregate classification (germline): Pathogenic (1 of 4 stars; one submission).

Conditions:
Hereditary spastic paraplegia 31. Also called: SPASTIC PARAPLEGIA 31, AUTOSOMAL DOMINANT. Identifiers: Orphanet 101011, MedGen C1853247, MONDO:0012453, OMIM 610250.

Submission:

Labcorp Genetics (formerly Invitae), Labcorp
Classification: Pathogenic for Hereditary spastic paraplegia 31. Last evaluated: 2022-09-06. Review status: criteria provided, single submitter. Criteria: Invitae Variant Classification Sherloc (09022015). Collection method: clinical testing. Allele origin: germline.
Comment: This variant is also known as c.417+1del. For these reasons, this variant has been classified as Pathogenic. This variant results in an extension of the REEP1 protein. Other variant(s) that result in a similarly extended protein product (p.Ala166Leufs*57) have been determined to be pathogenic (Invitae). This suggests that these extensions are likely to be disease-causing. Algorithms developed to predict the effect of sequence changes on RNA splicing suggest that this variant may disrupt the consensus splice site. This variant has not been reported in the literature in individuals affected with REEP1-related conditions. This variant is not present in population databases (gnomAD no frequency). This sequence change results in a frameshift in the REEP1 gene (p.Gly140Aspfs*83). While this is not anticipated to result in nonsense mediated decay, it is expected to disrupt the last 62 amino acid(s) of the REEP1 protein and extend the protein by 20 additional amino acid residues.

NM_001371279.1(REEP1):c.417+1del

Gene: REEP1 (receptor accessory protein 1; minus strand). Cytogenetic location: 2p11.2.
Variant type: Deletion.
Coding change: c.417+1del on transcript NM_001371279.1 (MANE Select); the canonical splice donor site of the intron after coding-DNA position 417, one base deleted (G; older notation c.417+1delG).
Molecular consequence: splice donor variant. On other transcripts: intron variant (1).
Genome position (GRCh38, 1-based): chr2:86,251,956, C deleted on the plus strand (G on the coding strand, the reverse complement: REEP1 is on the minus strand); the first of 2 consecutive C bases (chr2:86,251,956-86,251,957); deleting either gives the same sequence. VCF-style (leftmost placement, unchanged base first): chr2-86251955-AC-A. GRCh37 (hg19) VCF-style: chr2-86479078-AC-A.
Other names: c.438+1del (NM_001164730.2); c.336+1del (NM_001164731.2); c.182+12009del (NM_001164732.2); c.417+1del (NM_001371280.1, NM_022912.3, NM_001410855.1 and 1 more transcripts).
Identifiers: ClinVar variation 2100758 (VCV002100758.4), dbSNP rs2468826102, ClinGen allele CA2577025657.